The following is an entry in ClinVar:

ClinVar aggregate classification (germline): Uncertain significance (1 of 4 stars; one submission).

Conditions:
Familial adenomatous polyposis 1 (FAP1). Also called: FAMILIAL ADENOMATOUS POLYPOSIS 1, ATTENUATED; POLYPOSIS, ADENOMATOUS INTESTINAL. Identifiers: MedGen C2713442, MONDO:0021056, OMIM 175100. Disease mechanism: loss of function.

Submission:

Labcorp Genetics (formerly Invitae), Labcorp
Classification: Uncertain significance for Familial adenomatous polyposis 1. Last evaluated: 2022-04-08. Review status: criteria provided, single submitter. Criteria: Invitae Variant Classification Sherloc (09022015). Collection method: clinical testing. Allele origin: germline.
Comment: Experimental studies and prediction algorithms are not available or were not evaluated, and the functional significance of this variant is currently unknown. In summary, the available evidence is currently insufficient to determine the role of this variant in disease. Therefore, it has been classified as a Variant of Uncertain Significance. This variant has not been reported in the literature in individuals affected with APC-related conditions. This variant is not present in population databases (gnomAD no frequency). This variant occurs in a non-coding region of the APC gene. It does not change the encoded amino acid sequence of the APC protein.

NM_001127511.3(APC):c.38T>G (p.Leu13Trp)

Gene: APC (APC regulator of Wnt signaling pathway; plus strand). Cytogenetic location: 5q22.2.
Variant type: single nucleotide variant.
Coding change: c.38T>G on transcript NM_001127511.3; coding-DNA position 38, T replaced by G.
Protein change: p.Leu13Trp; replaces leucine 13 with tryptophan.
Molecular consequence: missense variant. On other transcripts: 5 prime UTR variant (8), non-coding transcript variant (1), intron variant (5).
Genome position (GRCh38, 1-based): chr5:112,707,755, T>G. VCF-style: chr5-112707755-T-G. GRCh37 (hg19) VCF-style: chr5-112043452-T-G.
Other names: c.-146T>G (NM_001407469.1, NM_001354895.2, NM_001407447.1 and 3 more transcripts); c.-1181T>G (NM_001407470.1, NM_001407472.1); c.-19+106T>G (NM_001407448.1, NM_001407450.1, NM_001407457.1 and 1 more transcripts); c.-43+106T>G (NM_001407453.1); c.38T>G, p.Leu13Trp (NM_001354897.2, NM_001354902.2, NM_001407446.1); short protein forms L13W.
Identifiers: ClinVar variation 2122836 (VCV002122836.4), dbSNP rs2531739750, ClinGen allele CA360611717.